The following is an entry in ClinVar:

ClinVar aggregate classification (germline): Uncertain significance (1 of 4 stars; one submission).

Allele frequency attached by ClinVar (database versions not stated): gnomAD 0.00001; TOPMed 0.00001; gnomAD exomes 0.00002; ExAC 0.00006.

Submission:

Labcorp Genetics (formerly Invitae), Labcorp
Classification: Uncertain significance. Last evaluated: 2022-07-07. Review status: criteria provided, single submitter. Criteria: Invitae Variant Classification Sherloc (09022015). Collection method: clinical testing. Allele origin: germline.
Comment: In summary, the available evidence is currently insufficient to determine the role of this variant in disease. Therefore, it has been classified as a Variant of Uncertain Significance. Algorithms developed to predict the effect of missense changes on protein structure and function output the following: SIFT: "Tolerated"; PolyPhen-2: "Benign"; Align-GVGD: "Class C0". The isoleucine amino acid residue is found in multiple mammalian species, which suggests that this missense change does not adversely affect protein function. This variant has not been reported in the literature in individuals affected with PLVAP-related conditions. This variant is present in population databases (rs764733287, gnomAD 0.007%). This sequence change replaces phenylalanine, which is neutral and non-polar, with isoleucine, which is neutral and non-polar, at codon 90 of the PLVAP protein (p.Phe90Ile).

NM_031310.3(PLVAP):c.268T>A (p.Phe90Ile)

Gene: PLVAP (plasmalemma vesicle associated protein; minus strand). Cytogenetic location: 19p13.11.
Variant type: single nucleotide variant.
Coding change: c.268T>A on transcript NM_031310.3 (MANE Select); coding-DNA position 268, T replaced by A.
Protein change: p.Phe90Ile; replaces phenylalanine 90 with isoleucine.
Molecular consequence: missense variant.
Genome position (GRCh38, 1-based): chr19:17,377,021, A>T on the plus strand (T>A on the coding strand, the complement: PLVAP is on the minus strand). VCF-style: chr19-17377021-A-T. GRCh37 (hg19) VCF-style: chr19-17487830-A-T.
Other names: short protein forms F90I.
Identifiers: ClinVar variation 2094283 (VCV002094283.3), dbSNP rs764733287, ClinGen allele CA9294107.
Genomic context (GRCh38, chr19:17,377,021, plus strand): 5'-CCAGGTCGCGGCGAGCATTCAGCCACATCTGCATGATGGCATCCTTGGCGCGGGTGGTGA[A>T]GTTGAGCTCCTTGGTCAAGTTGGACTGGGAGGCCGTGAGCCCTAGGAGCTGACTGTATAG-3'
Protein context (NP_112600.1, residues 80-100): SQSNLTKELN[Phe90Ile]TTRAKDAIMQ